The following is an entry in ClinVar:

NM_004006.3(DMD):c.1252A>C (p.Thr418Pro)

Gene: DMD (dystrophin; minus strand). Cytogenetic location: Xp21.1.
Variant type: single nucleotide variant.
Coding change: c.1252A>C on transcript NM_004006.3 (MANE Select); coding-DNA position 1252, A replaced by C.
Protein change: p.Thr418Pro; replaces threonine 418 with proline.
Molecular consequence: missense variant.
Genome position (GRCh38, 1-based): chrX:32,644,211, T>G on the plus strand (A>C on the coding strand, the complement: DMD is on the minus strand). VCF-style: chrX-32644211-T-G. GRCh37 (hg19) VCF-style: chrX-32662328-T-G.
Other names: c.1228A>C, p.Thr410Pro (NM_000109.4); c.1240A>C, p.Thr414Pro (NM_004009.3); c.883A>C, p.Thr295Pro (NM_004010.3); short protein forms T414P, T418P, T295P, T410P.
Identifiers: ClinVar variation 2919641 (VCV002919641.4), dbSNP rs201341211, ClinGen allele CA412661088.

ClinVar aggregate classification (germline): Uncertain significance. Review status: criteria provided, single submitter (1 of 4 stars). 2 submissions from 2 submitters: Uncertain significance (1). 1 of the submissions does not count toward it. Last evaluated 2023-10-03.

Conditions:
Duchenne muscular dystrophy (DMD). Also called: MUSCULAR DYSTROPHY, PSEUDOHYPERTROPHIC PROGRESSIVE, DUCHENNE TYPE; Duchenne Muscular Dystrophy (DMD). Identifiers: Orphanet 98896, MedGen C0013264, MONDO:0010679, OMIM 310200.
Becker muscular dystrophy, Cardiomyopathy, Duchenne muscular dystrophy, Dystrophin deficiency.

Submissions (2):

Labcorp Genetics (formerly Invitae), Labcorp
Classification: Uncertain significance for Duchenne muscular dystrophy. Last evaluated: 2023-10-03. Review status: criteria provided, single submitter. Criteria: Invitae Variant Classification Sherloc (09022015). Collection method: clinical testing. Allele origin: germline.
Comment: This sequence change replaces threonine, which is neutral and polar, with proline, which is neutral and non-polar, at codon 418 of the DMD protein (p.Thr418Pro). This variant is not present in population databases (gnomAD no frequency). This variant has not been reported in the literature in individuals affected with DMD-related conditions. Advanced modeling of protein sequence and biophysical properties (such as structural, functional, and spatial information, amino acid conservation, physicochemical variation, residue mobility, and thermodynamic stability) performed at Invitae indicates that this missense variant is not expected to disrupt DMD protein function. In summary, the available evidence is currently insufficient to determine the role of this variant in disease. Therefore, it has been classified as a Variant of Uncertain Significance.

Natera, Inc.
Classification: Uncertain significance for Becker muscular dystrophy, Cardiomyopathy, Duchenne muscular dystrophy, Dystrophin deficiency. Last evaluated: 2025-05-30. Review status: no assertion criteria provided. Collection method: clinical testing. Allele origin: germline. Not counted in ClinVar's aggregate classification.